The following is an entry in ClinVar:

ClinVar aggregate classification (germline): Benign/Likely benign. Review status: criteria provided, multiple submitters, no conflicts (2 of 4 stars). 5 submissions from 5 submitters: Benign (4); Likely benign (1). Last evaluated 2026-02-03.

Conditions:
Neuropathy, hereditary sensory and autonomic, type 2A (HSAN2A). Also called: ACROOSTEOLYSIS, GIACCAI TYPE; ACROOSTEOLYSIS, NEUROGENIC; MORVAN DISEASE; NEUROPATHY, CONGENITAL SENSORY; NEUROPATHY, HEREDITARY SENSORY RADICULAR, AUTOSOMAL RECESSIVE; NEUROPATHY, HEREDITARY SENSORY, TYPE IIA. Identifiers: Orphanet 970, MedGen C2752089, MONDO:0024309, OMIM 201300.
Pseudohypoaldosteronism type 2C (PHA2C). Also called: Pseudohypoaldosteronism Type IIC. Identifiers: Orphanet 757, Orphanet 88940, MedGen C1840391, MONDO:0013778, OMIM 614492.

Allele frequency attached by ClinVar (database versions not stated): gnomAD 0.12208; 1000 Genomes Project 30x 0.13882; TOPMed 0.11661; 1000 Genomes Project 0.14097.
gnomAD v4.1: 163,174 of 1,531,320 alleles (11%); highest among the groups gnomAD compares: East Asian, 22%; 9,260 homozygotes.

Submissions (5):

Labcorp Genetics (formerly Invitae), Labcorp
Classification: Benign for Neuropathy, hereditary sensory and autonomic, type 2A; Pseudohypoaldosteronism type 2C. Last evaluated: 2026-02-03. Review status: criteria provided, single submitter. Criteria: Invitae Variant Classification Sherloc (09022015). Collection method: clinical testing. Allele origin: germline.

Blueprint Genetics
Classification: Likely benign. Last evaluated: 2024-11-27. Review status: criteria provided, single submitter. Criteria: ACMG Guidelines, 2015. Collection method: clinical testing. Allele origin: germline.

Mayo Clinic Laboratories, Mayo Clinic
Classification: Benign. Last evaluated: 2022-03-24. Review status: criteria provided, single submitter. Criteria: ACMG Guidelines, 2015. Collection method: clinical testing. Allele origin: germline. Observed: 172 variant alleles.

GeneDx
Classification: Benign. Last evaluated: 2018-06-14. Review status: criteria provided, single submitter. Criteria: GeneDx Variant Classification (06012015). Collection method: clinical testing. Allele origin: germline. Affected: yes.
Comment: This variant is considered likely benign or benign based on one or more of the following criteria: it is a conservative change, it occurs at a poorly conserved position in the protein, it is predicted to be benign by multiple in silico algorithms, and/or has population frequency not consistent with disease.

Breakthrough Genomics
Classification: Benign. Review status: criteria provided, single submitter. Criteria: ACMG Guidelines, 2015. Collection method: not provided. Allele origin: germline. Inheritance: Autosomal recessive inheritance. Affected: yes.

NM_213655.5(WNK1):c.2190G>C (p.Leu730Phe)

Gene: WNK1 (WNK lysine deficient protein kinase 1; plus strand). Cytogenetic location: 12p13.33.
Variant type: single nucleotide variant.
Coding change: c.2190G>C on transcript NM_213655.5 (MANE Plus Clinical); coding-DNA position 2190, G replaced by C.
Protein change: p.Leu730Phe; replaces leucine 730 with phenylalanine.
Molecular consequence: missense variant. On other transcripts: intron variant (3).
Genome position (GRCh38, 1-based): chr12:865,160, G>C. VCF-style: chr12-865160-G-C. GRCh37 (hg19) VCF-style: chr12-974326-G-C.
Other names: p.Leu730Phe; c.2140-2706G>C (NM_001184985.2); c.2139+2890G>C (NM_018979.4, NM_014823.3); short protein forms L730F.
Identifiers: ClinVar variation 674047 (VCV000674047.13), dbSNP rs11611231, ClinGen allele CA6382128.
Genomic context (GRCh38, chr12:865,160, plus strand): 5'-TTGTGTTGAGCCTCGTCGTGGCCGTAGCATGTCGGTTTGTGTTCCCATCTTTCTGCTGTT[G>C]CCTCTGTGTCCCGCATCTCTCCCAGTGCTCTTCCACCCCACCGCCAGTACTGTCTGCACC-3'
Protein context (NP_998820.3, residues 720-740): MSVCVPIFLL[Leu730Phe]PLCPASLPVL